The following is an entry in ClinVar:

NC_000021.8:g.(?_43160998)_(47865240_?)del

Genes: ABCG1 (ATP binding cassette subfamily G member 1; plus strand), ADARB1 (adenosine deaminase RNA specific B1; plus strand), AGPAT3 (1-acylglycerol-3-phosphate O-acyltransferase 3; plus strand), AIRE (autoimmune regulator; plus strand), C21orf58 (chromosome 21 open reading frame 58; minus strand) and 71 more. Cytogenetic location: 21q22.3.
Variant type: Deletion.
Identifiers: ClinVar variation 1458311 (VCV001458311.4).

ClinVar aggregate classification (germline): Pathogenic (1 of 4 stars; one submission).

Conditions:
HYPERHOMOCYSTEINEMIA, THROMBOTIC, CBS-RELATED. Identifiers: MedGen C3150344, OMIM 236200.

Submission:

Labcorp Genetics (formerly Invitae), Labcorp
Classification: Pathogenic for HYPERHOMOCYSTEINEMIA, THROMBOTIC, CBS-RELATED. Last evaluated: 2021-07-30. Review status: criteria provided, single submitter. Criteria: Invitae Variant Classification Sherloc (09022015). Collection method: clinical testing. Allele origin: germline.
Comment: A gross deletion of the genomic region encompassing the full coding sequence of the CBS gene has been identified. Loss-of-function variants in CBS are known to be pathogenic (PMID: 10338090, 12124992). The boundaries of this event are unknown as they extend beyond the assayed region for this gene and therefore may encompass additional genes. This variant has not been reported in the literature in individuals with CBS-related conditions. For these reasons, this variant has been classified as Pathogenic.

Literature cited by the submitters: PubMed 10338090; PubMed 12124992.